The following is an entry in ClinVar:

NM_004859.4(CLTC):c.321T>A (p.Asp107Glu)

Gene: CLTC (clathrin heavy chain; plus strand). Cytogenetic location: 17q23.1.
Variant type: single nucleotide variant.
Coding change: c.321T>A on transcript NM_004859.4 (MANE Select); coding-DNA position 321, T replaced by A.
Protein change: p.Asp107Glu; replaces aspartic acid 107 with glutamic acid.
Molecular consequence: missense variant.
Genome position (GRCh38, 1-based): chr17:59,647,468, T>A. VCF-style: chr17-59647468-T-A. GRCh37 (hg19) VCF-style: chr17-57724829-T-A.
Other names: c.333T>A, p.Asp111Glu (NM_001288653.2); c.321T>A (NM_004859.3); short protein forms D107E, D111E.
Identifiers: ClinVar variation 1906996 (VCV001906996.8), dbSNP rs188309190, ClinGen allele CA8681047.

ClinVar aggregate classification (germline): Conflicting classifications of pathogenicity. Review status: criteria provided, conflicting classifications (1 of 4 stars). 3 submissions from 3 submitters: Uncertain significance (1); Likely benign (2). Last evaluated 2024-05-06.

Conditions:
Inborn genetic diseases. Identifiers: MedGen C0950123, MeSH D030342.

Allele frequency attached by ClinVar (database versions not stated): TOPMed 0.00001; gnomAD exomes 0.00003; gnomAD 0.00004; ExAC 0.00013; 1000 Genomes Project 30x 0.00016; 1000 Genomes Project 0.00020.
gnomAD v4.1: 55 of 1,613,972 alleles (0.0034%); highest among the groups gnomAD compares: Middle Eastern, 0.016%; no homozygotes.

Submissions (3):

Blueprint Genetics
Classification: Likely benign. Last evaluated: 2024-05-06. Review status: criteria provided, single submitter. Criteria: ACMG Guidelines, 2015. Collection method: clinical testing. Allele origin: germline.

Labcorp Genetics (formerly Invitae), Labcorp
Classification: Uncertain significance. Last evaluated: 2023-11-27. Review status: criteria provided, single submitter. Criteria: Invitae Variant Classification Sherloc (09022015). Collection method: clinical testing. Allele origin: germline.
Comment: This sequence change replaces aspartic acid, which is acidic and polar, with glutamic acid, which is acidic and polar, at codon 111 of the CLTC protein (p.Asp111Glu). This variant is present in population databases (rs188309190, gnomAD 0.06%), and has an allele count higher than expected for a pathogenic variant. This variant has not been reported in the literature in individuals affected with CLTC-related conditions. ClinVar contains an entry for this variant (Variation ID: 1906996). Experimental studies and prediction algorithms are not available or were not evaluated, and the functional significance of this variant is currently unknown. In summary, the available evidence is currently insufficient to determine the role of this variant in disease. Therefore, it has been classified as a Variant of Uncertain Significance.

Ambry Genetics
Classification: Likely benign for Inborn genetic diseases. Last evaluated: 2023-09-12. Review status: criteria provided, single submitter. Criteria: Ambry Variant Classification Scheme 2023. Collection method: clinical testing. Allele origin: germline.